The following is an entry in ClinVar:

ClinVar aggregate classification (germline): Uncertain significance. Review status: criteria provided, multiple submitters, no conflicts (2 of 4 stars). 2 submissions from 2 submitters: Uncertain significance (2). Last evaluated 2023-06-16.

Conditions:
Inborn genetic diseases. Identifiers: MedGen C0950123, MeSH D030342.

Allele frequency attached by ClinVar (database versions not stated): TOPMed below 0.00001; gnomAD 0.00001; gnomAD exomes 0.00001; 1000 Genomes Project 30x 0.00016.

Submissions (2):

Ambry Genetics
Classification: Uncertain significance for Inborn genetic diseases. Last evaluated: 2023-06-16. Review status: criteria provided, single submitter. Criteria: Ambry Variant Classification Scheme 2023. Collection method: clinical testing. Allele origin: germline.

GeneDx
Classification: Uncertain significance. Last evaluated: 2017-03-15. Review status: criteria provided, single submitter. Criteria: GeneDx Variant Classification (06012015). Collection method: clinical testing. Allele origin: germline. Affected: yes.
Comment: The S1562L variant in the SHANK3 gene has not been reported previously as a pathogenic variant, nor as a benign variant, to our knowledge. The S1562L variant is not observed in large population cohorts (Lek et al., 2016; 1000 Genomes Consortium et al., 2015; Exome Variant Server). The S1562L variant is a non-conservative amino acid substitution, which is likely to impact secondary protein structure as these residues differ in polarity, charge, size and/or other properties. This substitution occurs at a position that is not conserved. In silico analysis is inconsistent in its predictions as to whether or not the variant is damaging to the protein structure/function. We interpret S1562L as a variant of uncertain significance.

NM_001372044.2(SHANK3):c.4910C>T (p.Ser1637Leu)

Gene: SHANK3 (SH3 and multiple ankyrin repeat domains 3; plus strand). Cytogenetic location: 22q13.33.
Variant type: single nucleotide variant.
Coding change: c.4910C>T on transcript NM_001372044.2 (MANE Select); coding-DNA position 4910, C replaced by T.
Protein change: p.Ser1637Leu; replaces serine 1637 with leucine.
Molecular consequence: missense variant.
Genome position (GRCh38, 1-based): chr22:50,730,801, C>T. VCF-style: chr22-50730801-C-T. GRCh37 (hg19) VCF-style: chr22-51169229-C-T.
Other names: c.4685C>T, p.Ser1562Leu (NM_033517.1); short protein forms S1562L, S1637L.
Identifiers: ClinVar variation 424239 (VCV000424239.4), dbSNP rs1064796872, ClinGen allele CA16621143.